The following is an entry in ClinVar:

NM_005534.4(IFNGR2):c.514T>A (p.Phe172Ile)

Gene: IFNGR2 (interferon gamma receptor 2; plus strand). Cytogenetic location: 21q22.11.
Variant type: single nucleotide variant.
Coding change: c.514T>A on transcript NM_005534.4 (MANE Select); coding-DNA position 514, T replaced by A.
Protein change: p.Phe172Ile; replaces phenylalanine 172 with isoleucine.
Molecular consequence: missense variant.
Genome position (GRCh38, 1-based): chr21:33,426,985, T>A. VCF-style: chr21-33426985-T-A. GRCh37 (hg19) VCF-style: chr21-34799292-T-A.
Other names: c.571T>A, p.Phe191Ile (NM_001329128.2); short protein forms F172I, F191I.
Identifiers: ClinVar variation 541802 (VCV000541802.9), dbSNP rs375419913, ClinGen allele CA410117753.

ClinVar aggregate classification (germline): Uncertain significance (1 of 4 stars; one submission).

Conditions:
Immunodeficiency 28 (IMD28). Also called: IFNGR2 DEFICIENCY. Identifiers: Orphanet 319547, Orphanet 319574, MedGen C4013947, MONDO:0013953, OMIM 614889.

Allele frequency attached by ClinVar (database versions not stated): TOPMed 0.00001.
gnomAD v4.1: 8 of 1,611,080 alleles (0.0005%); highest among the groups gnomAD compares: Non-Finnish European, 0.00068%; no homozygotes.

Submission:

Labcorp Genetics (formerly Invitae), Labcorp
Classification: Uncertain significance for Immunodeficiency 28. Last evaluated: 2020-02-24. Review status: criteria provided, single submitter. Criteria: Invitae Variant Classification Sherloc (09022015). Collection method: clinical testing. Allele origin: germline.
Comment: This variant is not present in population databases (ExAC no frequency). This variant has not been reported in the literature in individuals with IFNGR2-related disease. Algorithms developed to predict the effect of missense changes on protein structure and function (SIFT, PolyPhen-2, Align-GVGD) all suggest that this variant is likely to be tolerated, but these predictions have not been confirmed by published functional studies and their clinical significance is uncertain. In summary, the available evidence is currently insufficient to determine the role of this variant in disease. Therefore, it has been classified as a Variant of Uncertain Significance. This sequence change replaces phenylalanine with isoleucine at codon 172 of the IFNGR2 protein (p.Phe172Ile). The phenylalanine residue is weakly conserved and there is a small physicochemical difference between phenylalanine and isoleucine.